The following is an entry in ClinVar:

NM_172071.4(RC3H1):c.2137C>G (p.Gln713Glu)

Gene: RC3H1 (ring finger and CCCH-type domains 1; minus strand). Cytogenetic location: 1q25.1.
Variant type: single nucleotide variant.
Coding change: c.2137C>G on transcript NM_172071.4 (MANE Select); coding-DNA position 2137, C replaced by G.
Protein change: p.Gln713Glu; replaces glutamine 713 with glutamic acid.
Molecular consequence: missense variant.
Genome position (GRCh38, 1-based): chr1:173,961,790, G>C on the plus strand (C>G on the coding strand, the complement: RC3H1 is on the minus strand). VCF-style: chr1-173961790-G-C. GRCh37 (hg19) VCF-style: chr1-173930928-G-C.
Other names: c.2137C>G, p.Gln713Glu (NM_001300850.1, NM_001300851.1, NM_001300852.1); short protein forms Q713E.
Identifiers: ClinVar variation 780004 (VCV000780004.21), dbSNP rs77941945, ClinGen allele CA1251849.
Genomic context (GRCh38, chr1:173,961,790, plus strand): 5'-GGTACGAAGGTCTGATCTGAGTTGGATGAGGAGCCACTGGATAGTAACTCTCGATCTGTT[G>C]GTATCTTTCTCTGGATTCTGGTACATACGATGGTACTGCTGCAGGTGGAATCTCAATGGG-3'
Protein context (NP_742068.1, residues 703-723): SYVPESRERY[Gln713Glu]QIESYYPVAP

ClinVar aggregate classification (germline): Benign/Likely benign. Review status: criteria provided, multiple submitters, no conflicts (2 of 4 stars). 3 submissions from 3 submitters: Benign (2); Likely benign (1). Last evaluated 2026-08-01.

Allele frequency attached by ClinVar (database versions not stated): 1000 Genomes Project 0.00240; 1000 Genomes Project 30x 0.00250; TOPMed 0.00367; ESP Exome Variant Server 0.00546; gnomAD 0.00562 and 0.00595; gnomAD exomes 0.00578 and 0.00622; ExAC 0.00609.
gnomAD v4.1: 9,918 of 1,613,258 alleles (0.61%); highest among the groups gnomAD compares: Non-Finnish European, 0.67%; 39 homozygotes.

Submissions (3):

CeGaT Center for Human Genetics Tuebingen
Classification: Likely benign. Last evaluated: 2026-08-01. Review status: criteria provided, single submitter. Criteria: CeGaT Center For Human Genetics Tuebingen Variant Classification Criteria Version 2. Collection method: clinical testing. Allele origin: germline. Affected: yes. Observed: 3 variant alleles.
Comment: RC3H1: BP4, BS2

Labcorp Genetics (formerly Invitae), Labcorp
Classification: Benign. Last evaluated: 2018-06-28. Review status: criteria provided, single submitter. Criteria: Invitae Variant Classification Sherloc (09022015). Collection method: clinical testing. Allele origin: germline.

Breakthrough Genomics
Classification: Benign. Review status: criteria provided, single submitter. Criteria: ACMG Guidelines, 2015. Collection method: not provided. Allele origin: germline. Inheritance: Unknown mechanism. Affected: yes.